The following is an entry in ClinVar:

NM_003322.6(TULP1):c.373G>A (p.Glu125Lys)

Gene: TULP1 (TUB like protein 1; minus strand). Cytogenetic location: 6p21.31.
Variant type: single nucleotide variant.
Coding change: c.373G>A on transcript NM_003322.6 (MANE Select); coding-DNA position 373, G replaced by A.
Protein change: p.Glu125Lys; replaces glutamic acid 125 with lysine.
Molecular consequence: missense variant.
Genome position (GRCh38, 1-based): chr6:35,510,987, C>T on the plus strand (G>A on the coding strand, the complement: TULP1 is on the minus strand). VCF-style: chr6-35510987-C-T. GRCh37 (hg19) VCF-style: chr6-35478764-C-T.
Other names: c.214G>A, p.Glu72Lys (NM_001289395.2); short protein forms E125K, E72K.
Identifiers: ClinVar variation 966113 (VCV000966113.7), dbSNP rs376074938, ClinGen allele CA3772937.
Genomic context (GRCh38, chr6:35,510,987, plus strand): 5'-TCTTGGGAGGCAGAAGGATTTTCTCTTTCTTTTCCTCTGCCTCCTCTTCCTCGTCCTCCT[C>T]GTCCTCCTCTTCCTCCTCCTCCTCTGCAGGTAGAAACTCTTCATAATGGGGGTTTGAGCC-3'
Protein context (NP_003313.3, residues 115-135): EDEEEEEEED[Glu125Lys]EDEEEEAEEK

ClinVar aggregate classification (germline): Uncertain significance (1 of 4 stars; one submission).

Submission:

Labcorp Genetics (formerly Invitae), Labcorp
Classification: Uncertain significance. Last evaluated: 2021-12-24. Review status: criteria provided, single submitter. Criteria: Invitae Variant Classification Sherloc (09022015). Collection method: clinical testing. Allele origin: germline.
Comment: This sequence change replaces glutamic acid, which is acidic and polar, with lysine, which is basic and polar, at codon 125 of the TULP1 protein (p.Glu125Lys). The frequency data for this variant in the population databases is considered unreliable, as metrics indicate poor data quality at this position in the gnomAD database. This variant has not been reported in the literature in individuals affected with TULP1-related conditions. ClinVar contains an entry for this variant (Variation ID: 966113). Algorithms developed to predict the effect of missense changes on protein structure and function are either unavailable or do not agree on the potential impact of this missense change (SIFT: "Not Available"; PolyPhen-2: "Benign"; Align-GVGD: "Not Available"). In summary, the available evidence is currently insufficient to determine the role of this variant in disease. Therefore, it has been classified as a Variant of Uncertain Significance.